The following is an entry in ClinVar:

ClinVar aggregate classification (germline): Likely pathogenic. Review status: criteria provided, single submitter (1 of 4 stars). 2 submissions from 2 submitters: Likely pathogenic (1). 1 of the submissions does not count toward it. Last evaluated 2025-12-22.

Conditions:
Noonan syndrome 1 (NS1). Also called: PTPN11-Related Noonan Syndrome; TURNER PHENOTYPE WITH NORMAL KARYOTYPE; FEMALE PSEUDO-TURNER SYNDROME. Identifiers: Orphanet 648, MedGen C4551602, MONDO:0008104, OMIM 163950. Disease mechanism: gain of function.

Submissions (2):

Dasa
Classification: Likely pathogenic for PTPN11-related Noonan syndrome. Last evaluated: 2025-12-22. Review status: criteria provided, single submitter. Criteria: DASA Assertion Criteria. Collection method: clinical testing. Allele origin: germline.
Comment: NM_002834.5(PTPN11):c.181_183del (p.Asp61del) is an in-frame deletion predicted to remove aspartic acid at protein position 61 without shifting the reading frame. The affected residue or protein region has prior evidence supporting clinical relevance. This variant has been reported as a de novo occurrence in an affected individual (PMID: 15521065). Functional evidence supports an impact on the gene or gene product (PMID: 15521065). Also, this variant is absent from population databases. Based on the currently available evidence, this variant is classified as likely pathogenic.

GeneReviews
No classification provided. Condition: Noonan syndrome 1. Review status: no classification provided. Collection method: literature only. Allele origin: germline. Affected: yes. Not counted in ClinVar's aggregate classification.

Literature cited by the submitters: PubMed 15521065 (cited by Dasa); NCBI Bookshelf NBK1124 (cited by GeneReviews).

NM_002834.5(PTPN11):c.181_183del (p.Asp61del)

Gene: PTPN11 (protein tyrosine phosphatase non-receptor type 11; plus strand). Cytogenetic location: 12q24.13.
Variant type: Deletion.
Coding change: c.181_183del on transcript NM_002834.5 (MANE Select); coding-DNA positions 181 to 183, 3 bases deleted (GAT; older notation c.181_183delGAT).
Protein change: p.Asp61del; deletes aspartic acid 61.
Molecular consequence: inframe deletion.
Genome position (GRCh38, 1-based): chr12:112,450,361-112,450,363, GAT deleted; deleting any 3 consecutive bases within chr12:112,450,360-112,450,363 gives the same sequence; the c. name uses the placement nearest the transcript's 3' end. VCF-style (leftmost placement, unchanged base first): chr12-112450359-GTGA-G. GRCh37 (hg19) VCF-style: chr12-112888163-GTGA-G.
Other names: c.181_183del, p.Asp61del (NM_001330437.2, NM_080601.3); c.178_180del, p.Asp60del (NM_001374625.1); short protein forms D61del, D60del.
Identifiers: ClinVar variation 222972 (VCV000222972.5), dbSNP rs869025574, ClinGen allele CA356977.